The following is an entry in ClinVar:

ClinVar aggregate classification (germline): Pathogenic (1 of 4 stars; one submission).

Conditions:
Long QT syndrome (LQTS). Identifiers: MedGen C0023976, MeSH D008133, MONDO:0002442. Disease mechanism: loss of function. Inheritance: Various modes of inheritance.

Submission:

Labcorp Genetics (formerly Invitae), Labcorp
Classification: Pathogenic for Long QT syndrome. Last evaluated: 2025-01-15. Review status: criteria provided, single submitter. Criteria: Invitae Variant Classification Sherloc (09022015). Collection method: clinical testing. Allele origin: germline.
Comment: This sequence change creates a premature translational stop signal (p.Gly785Alafs*25) in the KCNH2 gene. It is expected to result in an absent or disrupted protein product. Loss-of-function variants in KCNH2 are known to be pathogenic (PMID: 10973849, 19862833). This variant is not present in population databases (gnomAD no frequency). This premature translational stop signal has been observed in individual(s) with long QT syndrome (PMID: 12566525). This variant is also known as R783 fs/24. Algorithms developed to predict the effect of sequence changes on RNA splicing suggest that this variant may disrupt the consensus splice site. For these reasons, this variant has been classified as Pathogenic.

Literature cited by the submitters: PubMed 10973849; PubMed 19862833; PubMed 12566525.

NM_000238.4(KCNH2):c.2354del (p.Gly785fs)

Gene: KCNH2 (potassium voltage-gated channel subfamily H member 2; minus strand). Cytogenetic location: 7q36.1.
Variant type: Deletion.
Coding change: c.2354del on transcript NM_000238.4 (MANE Select); coding-DNA position 2354, one base deleted (G; older notation c.2354delG).
Protein change: p.Gly785fs; shifts the reading frame from glycine 785.
Molecular consequence: frameshift variant. On other transcripts: non-coding transcript variant (2).
Genome position (GRCh38, 1-based): chr7:150,950,212, C deleted on the plus strand (G on the coding strand, the reverse complement: KCNH2 is on the minus strand); the first of 4 consecutive C bases (chr7:150,950,212-150,950,215); deleting any one gives the same sequence. VCF-style (leftmost placement, unchanged base first): chr7-150950211-GC-G. GRCh37 (hg19) VCF-style: chr7-150647299-GC-G.
Other names: c.2177del, p.Gly726fs (NM_001406755.1); c.2066del, p.Gly689fs (NM_001406756.1, NM_001406753.1); c.2054del, p.Gly685fs (NM_001406757.1); c.2354del, p.Gly785fs (NM_172056.3); c.1334del, p.Gly445fs (NM_172057.3, NM_001204798.2); short protein forms G445fs, G685fs, G726fs, G689fs, G785fs.
Identifiers: ClinVar variation 3720787 (VCV003720787.2).